The following is an entry in ClinVar:

NM_001374353.1(GLI2):c.392G>A (p.Arg131His)

Gene: GLI2 (GLI family zinc finger 2; plus strand). Cytogenetic location: 2q14.2.
Variant type: single nucleotide variant.
Coding change: c.392G>A on transcript NM_001374353.1 (MANE Select); coding-DNA position 392, G replaced by A.
Protein change: p.Arg131His; replaces arginine 131 with histidine.
Molecular consequence: missense variant.
Genome position (GRCh38, 1-based): chr2:120,951,380, G>A. VCF-style: chr2-120951380-G-A. GRCh37 (hg19) VCF-style: chr2-121708956-G-A.
Other names: c.392G>A, p.Arg131His (NM_001371271.1, NM_005270.5); c.17G>A, p.Arg6His (NM_001374354.1); c.392G>A (NM_005270.4); short protein forms R131H, R6H.
Identifiers: ClinVar variation 1447382 (VCV001447382.8), dbSNP rs149180414, ClinGen allele CA1851519.
Genomic context (GRCh38, chr2:120,951,380, plus strand): 5'-GGGAGTCCCCCTTCAACGCCCCCCACCCGTACGTGAACCCCCACATGGAGCACTACCTCC[G>A]TTCTGTGCACAGCAGCCCCACGCTCTCCATGATCTCTGCAGCCAGGGGCCTCAGCCCCGC-3'
Protein context (NP_001361282.1, residues 121-141): YVNPHMEHYL[Arg131His]SVHSSPTLSM

ClinVar aggregate classification (germline): Conflicting classifications of pathogenicity. Review status: criteria provided, conflicting classifications (1 of 4 stars). 3 submissions from 3 submitters: Uncertain significance (2); Likely benign (1). Last evaluated 2025-06-23.

Conditions:
Inborn genetic diseases. Identifiers: MedGen C0950123, MeSH D030342.
Holoprosencephaly 9 (HPE9). Also called: PITUITARY ANOMALIES WITH HOLOPROSENCEPHALY-LIKE FEATURES; HOLOPROSENCEPHALY WITH MICROPHTHALMIA AND FIRST BRANCHIAL ARCH ANOMALIES. Identifiers: Orphanet 2162, MedGen C1835819, MONDO:0012563, OMIM 610829.
Postaxial polydactyly-anterior pituitary anomalies-facial dysmorphism syndrome. Also called: Culler-Jones syndrome. Identifiers: Orphanet 420584, MedGen C4014479, MONDO:0014369, OMIM 615849.

Allele frequency attached by ClinVar (database versions not stated): ESP Exome Variant Server 0.00015; gnomAD 0.00023 and 0.00024; gnomAD exomes 0.00025 and 0.00037; TOPMed 0.00025; ExAC 0.00027.
gnomAD v4.1: 577 of 1,611,610 alleles (0.036%); highest among the groups gnomAD compares: Non-Finnish European, 0.041%; no homozygotes.

Submissions (3):

Women's Health and Genetics/Laboratory Corporation of America, LabCorp
Classification: Uncertain significance. Last evaluated: 2025-06-23. Review status: criteria provided, single submitter. Criteria: LabCorp Variant Classification Summary - May 2015. Collection method: clinical testing. Allele origin: germline.
Comment: Variant summary: GLI2 c.392G>A (p.Arg131His) results in a non-conservative amino acid change in the encoded protein sequence. Algorithms developed to predict the effect of missense changes on protein structure and function are either unavailable or do not agree on the potential impact of this missense change. The variant allele was found at a frequency of 0.00025 in 251260 control chromosomes. This frequency is not significantly higher than estimated for a pathogenic variant in GLI2 causing GLI2-Related Disorders, allowing no conclusion about variant significance. To our knowledge, no occurrence of c.392G>A in individuals affected with GLI2-Related Disorders and no experimental evidence demonstrating its impact on protein function have been reported. ClinVar contains an entry for this variant (Variation ID: 1447382). Based on the evidence outlined above, the variant was classified as uncertain significance.

Labcorp Genetics (formerly Invitae), Labcorp
Classification: Uncertain significance for Postaxial polydactyly-anterior pituitary anomalies-facial dysmorphism syndrome; Holoprosencephaly 9. Last evaluated: 2024-09-15. Review status: criteria provided, single submitter. Criteria: Invitae Variant Classification Sherloc (09022015). Collection method: clinical testing. Allele origin: germline.
Comment: This sequence change replaces arginine, which is basic and polar, with histidine, which is basic and polar, at codon 131 of the GLI2 protein (p.Arg131His). This variant is present in population databases (rs149180414, gnomAD 0.06%), and has an allele count higher than expected for a pathogenic variant. This variant has not been reported in the literature in individuals affected with GLI2-related conditions. ClinVar contains an entry for this variant (Variation ID: 1447382). Invitae Evidence Modeling of protein sequence and biophysical properties (such as structural, functional, and spatial information, amino acid conservation, physicochemical variation, residue mobility, and thermodynamic stability) indicates that this missense variant is expected to disrupt GLI2 protein function with a positive predictive value of 80%. In summary, the available evidence is currently insufficient to determine the role of this variant in disease. Therefore, it has been classified as a Variant of Uncertain Significance.

Ambry Genetics
Classification: Likely benign for Inborn genetic diseases. Last evaluated: 2021-08-12. Review status: criteria provided, single submitter. Criteria: Ambry Variant Classification Scheme 2023. Collection method: clinical testing. Allele origin: germline.